The following is an entry in ClinVar:

ClinVar aggregate classification (germline): Uncertain significance (1 of 4 stars; one submission).

Submission:

Labcorp Genetics (formerly Invitae), Labcorp
Classification: Uncertain significance. Last evaluated: 2024-10-24. Review status: criteria provided, single submitter. Criteria: Invitae Variant Classification Sherloc (09022015). Collection method: clinical testing. Allele origin: germline.
Comment: This sequence change replaces methionine, which is neutral and non-polar, with threonine, which is neutral and polar, at codon 915 of the MSH3 protein (p.Met915Thr). This variant is not present in population databases (gnomAD no frequency). This variant has not been reported in the literature in individuals affected with MSH3-related conditions. An algorithm developed to predict the effect of missense changes on protein structure and function (PolyPhen-2) suggests that this variant is likely to be disruptive. In summary, the available evidence is currently insufficient to determine the role of this variant in disease. Therefore, it has been classified as a Variant of Uncertain Significance.

NM_002439.5(MSH3):c.2744T>C (p.Met915Thr)

Gene: MSH3 (mutS homolog 3; plus strand). Cytogenetic location: 5q14.1.
Variant type: single nucleotide variant.
Coding change: c.2744T>C on transcript NM_002439.5 (MANE Select); coding-DNA position 2744, T replaced by C.
Protein change: p.Met915Thr; replaces methionine 915 with threonine.
Molecular consequence: missense variant.
Genome position (GRCh38, 1-based): chr5:80,813,672, T>C. VCF-style: chr5-80813672-T-C. GRCh37 (hg19) VCF-style: chr5-80109491-T-C.
Other names: short protein forms M915T.
Identifiers: ClinVar variation 3700668 (VCV003700668.2).